The following is an entry in ClinVar:

NM_001081.4(CUBN):c.6821+2T>C

Gene: CUBN (cubilin; minus strand). Cytogenetic location: 10p13.
Variant type: single nucleotide variant.
Coding change: c.6821+2T>C on transcript NM_001081.4 (MANE Select); the canonical splice donor site of the intron after coding-DNA position 6821, T replaced by C.
Molecular consequence: splice donor variant.
Genome position (GRCh38, 1-based): chr10:16,919,961, A>G on the plus strand (T>C on the coding strand, the complement: CUBN is on the minus strand). VCF-style: chr10-16919961-A-G. GRCh37 (hg19) VCF-style: chr10-16961960-A-G.
Identifiers: ClinVar variation 1022289 (VCV001022289.16), dbSNP rs150901286, ClinGen allele CA5423571.
Genomic context (GRCh38, chr10:16,919,961, plus strand): 5'-GACATGACGGTTAAAAAATACTAACTTGGGGTAGGAAAAAAATGAAAATGGAAGTGACAT[A>G]CTTGGGTGTTACTTCAATATCGAATCGATCTTCAAATTGCAGCTGTATGCGTGTTTCCGG-3'

ClinVar aggregate classification (germline): Conflicting classifications of pathogenicity. Review status: criteria provided, conflicting classifications (1 of 4 stars). 7 submissions from 7 submitters: Pathogenic (1); Likely pathogenic (2); Uncertain significance (3). 1 of the submissions does not count toward it. Last evaluated 2026-09-30.

Conditions:
CUBN-related disorder. Also called: CUBN-related condition.
Proteinuria, chronic benign. Identifiers: MedGen C5394384, MONDO:0030042, OMIM 618884.
Imerslund-Grasbeck syndrome type 1 (IGS1). Also called: Megaloblastic anemia 1, Finnish type; Imerslund-Gräsbeck syndrome 1; MEGALOBLASTIC ANEMIA, 1. Identifiers: MedGen C4016819, MONDO:0100156, OMIM 261100.
Imerslund-Grasbeck syndrome. Also called: Megaloblastic anemia due to inborn errors of metabolism; Imerslund-Gräsbeck syndrome; ENTEROCYTE COBALAMIN MALABSORPTION; ENTEROCYTE INTRINSIC FACTOR RECEPTOR, DEFECT OF; PERNICIOUS ANEMIA, JUVENILE, DUE TO SELECTIVE INTESTINAL MALABSORPTION OF VITAMIN B12, WITH PROTEINURIA. Identifiers: Orphanet 35858, MedGen C4551825, MONDO:0009853.
CUBN-related disorders.

Allele frequency attached by ClinVar (database versions not stated): gnomAD 0.00076 and 0.00083; gnomAD exomes 0.00015 and 0.00006; 1000 Genomes Project 30x 0.00016; TOPMed 0.00079; 1000 Genomes Project 0.00020; ExAC 0.00018; ESP Exome Variant Server 0.00062.
gnomAD v4.1: 208 of 1,612,428 alleles (0.013%); highest among the groups gnomAD compares: African/African-American, 0.26%; 1 homozygote.

Submissions (7):

GeneDx
Classification: Uncertain significance. Last evaluated: 2026-09-30. Review status: criteria provided, single submitter. Criteria: GeneDx Variant Classification Process June 2021. Collection method: clinical testing. Allele origin: germline.
Comment: Identified with a second variant (phase unknown) in unrelated patients with chronic proteinuria in published literature (PMID: 31613795); Canonical splice site variant predicted to result in a null allele in a gene for which loss of function is a known mechanism of disease; This variant is associated with the following publications: (PMID: 35325889, 34979989, 31613795)

Laboratory for Molecular Medicine, Mass General Brigham Personalized Medicine
Classification: Uncertain significance. Last evaluated: 2023-11-13. Review status: criteria provided, single submitter. Criteria: ACMG Guidelines, 2015. Collection method: clinical testing. Allele origin: germline.
Comment: The c.6821+2T>C variant in CUBN has been reported in the compound heterozygous state in 1 individual with clinical features of Imerslund-Grasbeck syndrome (proteinuria); however, they did not have megaloblastic anemia (Bedin 2020 PMID: 31613795). This variant has also been reported by other clinical laboratories in ClinVar (Variation ID 1022289) and has been identified in 0.27% (112/41460) of African chromosomes by gnomAD (v.3.1.2). This variant occurs within the canonical splice site (+/- 1,2) and is predicted to cause altered splicing leading to an abnormal or absent protein. However, the presence of this variant may activate a cryptic splice site that is located 37 bases upstream, that if activated would lead to intron retention and may result in an additional 13 new amino acids to be translated. It is unclear how this would impact the protein. In summary, while there is some suspicion for a pathogenic role, the clinical significance of this variant is uncertain. ACMG/AMP criteria applied: PVS1_Moderate, PM3.

Labcorp Genetics (formerly Invitae), Labcorp
Classification: Uncertain significance for Imerslund-Grasbeck syndrome. Last evaluated: 2022-10-20. Review status: criteria provided, single submitter. Criteria: Invitae Variant Classification Sherloc (09022015). Collection method: clinical testing. Allele origin: germline.
Comment: This sequence change affects a donor splice site in intron 44 of the CUBN gene. It is expected to disrupt RNA splicing. Variants that disrupt the donor or acceptor splice site typically lead to a loss of protein function (PMID: 16199547), and loss-of-function variants in CUBN are known to be pathogenic (PMID: 15024727, 22929189, 25349199, 34979989). This variant is present in population databases (rs150901286, gnomAD 0.2%). This variant has not been reported in the literature in individuals affected with CUBN-related conditions. ClinVar contains an entry for this variant (Variation ID: 1022289). Algorithms developed to predict the effect of sequence changes on RNA splicing suggest that this variant may disrupt the consensus splice site. In summary, the available evidence is currently insufficient to determine the role of this variant in disease. Therefore, it has been classified as a Variant of Uncertain Significance.

Fulgent Genetics
Classification: Likely pathogenic for Imerslund-Grasbeck syndrome type 1; Proteinuria, chronic benign. Last evaluated: 2021-06-30. Review status: criteria provided, single submitter. Criteria: ACMG Guidelines, 2015. Collection method: clinical testing. Allele origin: unknown.
Comment: This variant has been detected in individual(s) who were sent for testing of Renasight - kidney gene panel.

Revvity Omics, Revvity
Classification: Pathogenic. Last evaluated: 2019-09-03. Review status: criteria provided, single submitter. Criteria: ACMG Guidelines, 2015. Collection method: clinical testing. Allele origin: germline.

Blueprint Genetics
Classification: Likely pathogenic for CUBN-related disorders. Last evaluated: 2018-09-21. Review status: criteria provided, single submitter. Criteria: ACMG Guidelines, 2015. Collection method: clinical testing. Allele origin: germline. Affected: yes. Observed: 1 variant allele.

PreventionGenetics, part of Exact Sciences
Classification: Likely pathogenic for CUBN-related condition. Last evaluated: 2024-06-12. Review status: no assertion criteria provided. Collection method: clinical testing. Allele origin: germline. Not counted in ClinVar's aggregate classification.
Comment: The CUBN c.6821+2T>C variant is predicted to disrupt the GT donor site and interfere with normal splicing. This variant is predicted to disrupt the nearby splice donor site, which may lead to aberrant splicing (SpliceAI, Jaganathan et al. 2019. PubMed ID: 30661751). The c.6821+2T>C variant has been reported with a second CUBN predicted loss-of-function variant in three individuals with early childhood onset chronic isolated proteinuria with normal renal function (Bedin et al. 2020. PubMed ID: 31613795). Other predicted loss-of-function variants surrounding this region have also been reported to be associated with isolated proteinuria (Human Gene Mutation Database; Bedin et al. 2020. PubMed ID: 31613795). This variant is reported in 0.22% of alleles in individuals of African descent in gnomAD. Variants that disrupt a consensus splice donor site in CUBN are expected to be pathogenic. This variant is interpreted as likely pathogenic.

Literature cited by the submitters: PubMed 16199547 (cited by Labcorp Genetics (formerly Invitae), Labcorp); PubMed 15024727 (cited by Labcorp Genetics (formerly Invitae), Labcorp); PubMed 22929189 (cited by Labcorp Genetics (formerly Invitae), Labcorp); PubMed 25349199 (cited by Labcorp Genetics (formerly Invitae), Labcorp); PubMed 34979989 (cited by Labcorp Genetics (formerly Invitae), Labcorp).